The following is an entry in ClinVar:

NM_003742.4(ABCB11):c.2281_2284del (p.Gly761fs)

Gene: ABCB11 (ATP binding cassette subfamily B member 11; minus strand). Cytogenetic location: 2q31.1.
Variant type: Deletion.
Coding change: c.2281_2284del on transcript NM_003742.4 (MANE Select); coding-DNA positions 2281 to 2284, 4 bases deleted (GGTG; older notation c.2281_2284delGGTG).
Protein change: p.Gly761fs; shifts the reading frame from glycine 761.
Molecular consequence: frameshift variant.
Genome position (GRCh38, 1-based): chr2:168,958,023-168,958,026, CACC deleted on the plus strand (GGTG on the coding strand, the reverse complement: ABCB11 is on the minus strand); deleting any 4 consecutive bases within chr2:168,958,023-168,958,029 gives the same sequence; the c. name uses the placement nearest the transcript's 3' end. VCF-style (leftmost placement, unchanged base first): chr2-168958022-GCACC-G. GRCh37 (hg19) VCF-style: chr2-169814532-GCACC-G.
Other names: short protein forms G761fs.
Identifiers: ClinVar variation 4846030 (VCV004846030.1).
Genomic context (GRCh38, chr2:168,958,022, plus strand): 5'-ACCCCAAGAATCTGGCTGAATAAAAAGGCATACAAGGGTGTGACTGTCCCGTTCACAGCT[GCACC>G]CACAGACCCTACCAGCATGTAGGGCCATTCTGGAGCACTGAATTTCAGAATCCTCCTAAC-3'

ClinVar aggregate classification (germline): Pathogenic (1 of 4 stars; one submission).

Conditions:
Familial intrahepatic cholestasis. Identifiers: Orphanet 284385, MedGen CN296401, MONDO:0017290.

Submission:

Genomenon, Inc
Classification: Pathogenic for Familial intrahepatic cholestasis. Last evaluated: 2026-04-14. Review status: criteria provided, single submitter. Criteria: Genomenon Sequence Variant Interpretation Standards - Updated. Collection method: curation. Allele origin: germline. Affected: yes.
Comment: ABCB11 p.Gly761GlnfsTer3 (c.2281_2284del) is a frameshift variant that results in the production of a truncated protein which is predicted to undergo nonsense-mediated mRNA decay. This variant has been observed in at least one proband with an ABCB11-related disorder (PMID:38323732). It is absent or not present at a significant frequency in gnomAD. In conclusion, we classify ABCB11 p.Gly761GlnfsTer3 (c.2281_2284del) as a pathogenic variant.

Literature cited by the submitters: PubMed 38323732.